The following is an entry in ClinVar:

ClinVar aggregate classification (germline): Likely benign. Review status: criteria provided, single submitter (1 of 4 stars). 2 submissions from 2 submitters: Likely benign (1). 1 of the submissions does not count toward it. Last evaluated 2021-05-04.

Conditions:
MYO9A-related disorder. Also called: MYO9A-related condition.

Allele frequency attached by ClinVar (database versions not stated): 1000 Genomes Project 0.01118; 1000 Genomes Project 30x 0.01124; gnomAD 0.02189; ExAC 0.02230; TOPMed 0.02255; ESP Exome Variant Server 0.02394; gnomAD exomes 0.02723.
gnomAD v4.1: 42,830 of 1,602,286 alleles (2.7%); highest among the groups gnomAD compares: Non-Finnish European, 3.2%; 710 homozygotes.

Submissions (2):

GeneDx
Classification: Likely benign. Last evaluated: 2021-05-04. Review status: criteria provided, single submitter. Criteria: GeneDx Variant Classification Process June 2021. Collection method: clinical testing. Allele origin: germline. Affected: yes.
Comment: See Variant Classification Assertion Criteria.

PreventionGenetics, part of Exact Sciences
Classification: Benign for MYO9A-related condition. Last evaluated: 2019-06-24. Review status: no assertion criteria provided. Collection method: clinical testing. Allele origin: germline. Not counted in ClinVar's aggregate classification.
Comment: This variant is classified as benign based on ACMG/AMP sequence variant interpretation guidelines (Richards et al. 2015 PMID: 25741868, with internal and published modifications).

NM_006901.4(MYO9A):c.5912C>T (p.Ser1971Leu)

Gene: MYO9A (myosin IXA; minus strand). Cytogenetic location: 15q23.
Variant type: single nucleotide variant.
Coding change: c.5912C>T on transcript NM_006901.4 (MANE Select); coding-DNA position 5912, C replaced by T.
Protein change: p.Ser1971Leu; replaces serine 1971 with leucine.
Molecular consequence: missense variant.
Genome position (GRCh38, 1-based): chr15:71,878,059, G>A on the plus strand (C>T on the coding strand, the complement: MYO9A is on the minus strand). VCF-style: chr15-71878059-G-A. GRCh37 (hg19) VCF-style: chr15-72170400-G-A.
Other names: short protein forms S1971L.
Identifiers: ClinVar variation 1707289 (VCV001707289.4), dbSNP rs148435644, ClinGen allele CA7641039.